The following is an entry in ClinVar:

NM_004415.4(DSP):c.4225A>G (p.Ile1409Val)

Gene: DSP (desmoplakin; plus strand). Cytogenetic location: 6p24.3.
Variant type: single nucleotide variant.
Coding change: c.4225A>G on transcript NM_004415.4 (MANE Select); coding-DNA position 4225, A replaced by G.
Protein change: p.Ile1409Val; replaces isoleucine 1409 with valine.
Molecular consequence: missense variant. On other transcripts: intron variant (2).
Genome position (GRCh38, 1-based): chr6:7,580,415, A>G. VCF-style: chr6-7580415-A-G. GRCh37 (hg19) VCF-style: chr6-7580648-A-G.
Other names: c.4050+175A>G (NM_001319034.2); c.3582+643A>G (NM_001008844.3); short protein forms I1409V.
Identifiers: ClinVar variation 3386675 (VCV003386675.1).
Genomic context (GRCh38, chr6:7,580,415, plus strand): 5'-AGTGGCTACCGGGCTCAGATAGACAATCTCACCCGAGAAAACAGGAGCTTATCTGAAGAA[A>G]TAAAGAGGCTGAAGAACACTCTAACCCAGACCACAGAGAATCTCAGGAGGGTGGAAGAAG-3'
Protein context (NP_004406.2, residues 1399-1419): TRENRSLSEE[Ile1409Val]KRLKNTLTQT

ClinVar aggregate classification (germline): Uncertain significance (1 of 4 stars; one submission).

Conditions:
Arrhythmogenic cardiomyopathy with wooly hair and keratoderma. Also called: Carvajal syndrome; PALMOPLANTAR KERATODERMA WITH LEFT VENTRICULAR CARDIOMYOPATHY AND WOOLLY HAIR; Dilated cardiomyopathy with woolly hair and keratoderma; Arrhythmogenic cardiomyopathy with woolly hair and keratoderma. Identifiers: Orphanet 65282, MedGen C1854063, MONDO:0011581, OMIM 605676.

gnomAD v4.1: 3 of 1,614,006 alleles (0.00019%); highest among the groups gnomAD compares: African/African-American, 0.004%; no homozygotes.

Submission:

All of Us Research Program, National Institutes of Health
Classification: Uncertain significance for Arrhythmogenic cardiomyopathy with wooly hair and keratoderma. Last evaluated: 2024-05-30. Review status: criteria provided, single submitter. Criteria: ACMG Guidelines, 2015. Collection method: clinical testing. Allele origin: germline. Inheritance: Autosomal dominant inheritance. Observed: 1 variant allele, 1 heterozygote.
Comment: This missense variant replaces isoleucine with valine at codon 1409 of the DSP protein. Computational prediction suggests that this variant may not impact protein structure and function (internally defined REVEL score threshold <= 0.5, PMID: 27666373). To our knowledge, functional studies have not been reported for this variant. This variant has not been reported in individuals affected with DSP-related disorders in the literature. This variant has been identified in 1/31384 chromosomes in the general population by the Genome Aggregation Database (gnomAD). The available evidence is insufficient to determine the role of this variant in disease conclusively. Therefore, this variant is classified as a Variant of Uncertain Significance.

This study involves interpretation of variants in research participants for the purpose of population health screening. Participant phenotype was not available at the time of variant classification. Additional details can be found in publication PMID: 35346344, PMCID: PMC8962531